The following is an entry in ClinVar:

NM_001386795.1(DTNA):c.603+3A>G

Gene: DTNA (dystrobrevin alpha; plus strand). Cytogenetic location: 18q12.1.
Variant type: single nucleotide variant.
Coding change: c.603+3A>G on transcript NM_001386795.1 (MANE Select); 3 bases into the intron after coding-DNA position 603, A replaced by G.
Molecular consequence: intron variant.
Genome position (GRCh38, 1-based): chr18:34,812,116, A>G. VCF-style: chr18-34812116-A-G. GRCh37 (hg19) VCF-style: chr18-32392080-A-G.
Other names: c.603+3A>G (NM_032975.4, NM_001386761.1, NM_001386762.1 and 35 more transcripts).
Identifiers: ClinVar variation 933598 (VCV000933598.7), dbSNP rs2095496828, ClinGen allele CA1139666040.
Genomic context (GRCh38, chr18:34,812,116, plus strand): 5'-TGAAGGTCCTTCATTTGGTTACACAGAACAGTCAGCCAGATCCTGTTTCTCCCAACAGGT[A>G]GGAGAAAAATATGTTTAAGGAAGTATCTCTTTCAAACAGTGGTTGCTCTCCTTCTAGATG-3'

ClinVar aggregate classification (germline): Uncertain significance (1 of 4 stars; one submission).

Conditions:
Left ventricular noncompaction 1 (LVNC1). Also called: LEFT VENTRICULAR NONCOMPACTION 1 WITH OR WITHOUT CONGENITAL HEART DEFECTS. Identifiers: Orphanet 54260, MedGen C1858725, MONDO:0011403, OMIM 604169.

Allele frequency attached by ClinVar (database versions not stated): gnomAD exomes below 0.00001.
gnomAD v4.1: 2 of 1,613,998 alleles (0.00012%); highest among the groups gnomAD compares: South Asian, 0.0022%; no homozygotes.

Submission:

Labcorp Genetics (formerly Invitae), Labcorp
Classification: Uncertain significance for Left ventricular noncompaction 1. Last evaluated: 2019-10-06. Review status: criteria provided, single submitter. Criteria: Invitae Variant Classification Sherloc (09022015). Collection method: clinical testing. Allele origin: germline.
Comment: This sequence change falls in intron 6 of the DTNA gene. It does not directly change the encoded amino acid sequence of the DTNA protein, but it affects a nucleotide within the consensus splice site of the intron. This variant is not present in population databases (ExAC no frequency). This variant has not been reported in the literature in individuals with DTNA-related conditions. Nucleotide substitutions within the consensus splice site are a relatively common cause of aberrant splicing (PMID: 17576681, 9536098). Algorithms developed to predict the effect of sequence changes on RNA splicing suggest that this variant may disrupt the consensus splice site, but this prediction has not been confirmed by published transcriptional studies. In summary, the available evidence is currently insufficient to determine the role of this variant in disease. Therefore, it has been classified as a Variant of Uncertain Significance.

Literature cited by the submitters: PubMed 17576681; PubMed 9536098.